The following is an entry in ClinVar:

NM_001927.4(DES):c.535G>C (p.Glu179Gln)

Gene: DES (desmin; plus strand). Cytogenetic location: 2q35.
Variant type: single nucleotide variant.
Coding change: c.535G>C on transcript NM_001927.4 (MANE Select); coding-DNA position 535, G replaced by C.
Protein change: p.Glu179Gln; replaces glutamic acid 179 with glutamine.
Molecular consequence: missense variant. On other transcripts: intron variant (1).
Genome position (GRCh38, 1-based): chr2:219,418,997, G>C. VCF-style: chr2-219418997-G-C. GRCh37 (hg19) VCF-style: chr2-220283719-G-C.
Other names: c.535G>C, p.Glu179Gln (NM_001382708.1, NM_001382709.1, NM_001382710.1 and 2 more transcripts); c.495+40G>C (NM_001382713.1); short protein forms E179Q.
Identifiers: ClinVar variation 4613963 (VCV004613963.2).

ClinVar aggregate classification (germline): Uncertain significance. Review status: criteria provided, multiple submitters, no conflicts (2 of 4 stars). 2 submissions from 2 submitters: Uncertain significance (2). Last evaluated 2025-12-04.

Conditions:
Cardiovascular phenotype. Identifiers: MedGen CN230736.
Desmin-related myofibrillar myopathy (MFM1). Also called: MYOFIBRILLAR MYOPATHY WITH ARRHYTHMOGENIC RIGHT VENTRICULAR CARDIOMYOPATHY; DESMIN-RELATED MYOPATHY WITH ARRHYTHMOGENIC RIGHT VENTRICULAR CARDIOMYOPATHY; Myofibrillar myopathy 1; Desminopathy; Desmin related myopathy (former name); Desmin storage myopathy (former name). Identifiers: Orphanet 363543, Orphanet 98909, MedGen C1832370, MONDO:0011076, OMIM 601419.

Submissions (2):

Ambry Genetics
Classification: Uncertain significance for Cardiovascular phenotype. Last evaluated: 2025-12-04. Review status: criteria provided, single submitter. Criteria: Ambry Variant Classification Scheme 2023. Collection method: clinical testing. Allele origin: germline.

Labcorp Genetics (formerly Invitae), Labcorp
Classification: Uncertain significance for Desmin-related myofibrillar myopathy. Last evaluated: 2025-08-21. Review status: criteria provided, single submitter. Criteria: Invitae Variant Classification Sherloc (09022015). Collection method: clinical testing. Allele origin: germline.
Comment: This sequence change replaces glutamic acid, which is acidic and polar, with glutamine, which is neutral and polar, at codon 179 of the DES protein (p.Glu179Gln). This variant is not present in population databases (gnomAD no frequency). This variant has not been reported in the literature in individuals affected with DES-related conditions. Invitae Evidence Modeling of protein sequence and biophysical properties (such as structural, functional, and spatial information, amino acid conservation, physicochemical variation, residue mobility, and thermodynamic stability) has been performed for this missense variant. However, the output from this modeling did not meet the statistical confidence thresholds required to predict the impact of this variant on DES protein function. In summary, the available evidence is currently insufficient to determine the role of this variant in disease. Therefore, it has been classified as a Variant of Uncertain Significance.